The following is an entry in ClinVar:

ClinVar aggregate classification (germline): Uncertain significance (1 of 4 stars; one submission).

Conditions:
Primary ciliary dyskinesia. Also called: Ciliary dyskinesia. Identifiers: Orphanet 244, MedGen C0008780, MONDO:0016575, HP:0012265.

Submission:

Labcorp Genetics (formerly Invitae), Labcorp
Classification: Uncertain significance for Primary ciliary dyskinesia. Last evaluated: 2021-02-09. Review status: criteria provided, single submitter. Criteria: Invitae Variant Classification Sherloc (09022015). Collection method: clinical testing. Allele origin: germline.
Comment: In summary, the available evidence is currently insufficient to determine the role of this variant in disease. Therefore, it has been classified as a Variant of Uncertain Significance. Algorithms developed to predict the effect of missense changes on protein structure and function are either unavailable or do not agree on the potential impact of this missense change (SIFT: "Tolerated"; PolyPhen-2: "Possibly Damaging"; Align-GVGD: "Class C0"). This variant has not been reported in the literature in individuals with DNAH11-related conditions. This variant is not present in population databases (ExAC no frequency). This sequence change replaces alanine with threonine at codon 1178 of the DNAH11 protein (p.Ala1178Thr). The alanine residue is moderately conserved and there is a small physicochemical difference between alanine and threonine.

NM_001277115.2(DNAH11):c.3532G>A (p.Ala1178Thr)

Gene: DNAH11 (dynein axonemal heavy chain 11; plus strand). Cytogenetic location: 7p15.3.
Variant type: single nucleotide variant.
Coding change: c.3532G>A on transcript NM_001277115.2 (MANE Select); coding-DNA position 3532, G replaced by A.
Protein change: p.Ala1178Thr; replaces alanine 1178 with threonine.
Molecular consequence: missense variant.
Genome position (GRCh38, 1-based): chr7:21,601,502, G>A. VCF-style: chr7-21601502-G-A. GRCh37 (hg19) VCF-style: chr7-21641120-G-A.
Other names: short protein forms A1178T.
Identifiers: ClinVar variation 1053282 (VCV001053282.17), dbSNP rs1248235821, ClinGen allele CA366947119.